The following is an entry in ClinVar:

ClinVar aggregate classification (germline): Pathogenic (1 of 4 stars; one submission).

Conditions:
Hereditary nonpolyposis colorectal neoplasms. Identifiers: MedGen C0009405, MeSH D003123.

Submission:

Labcorp Genetics (formerly Invitae), Labcorp
Classification: Pathogenic for Hereditary nonpolyposis colorectal neoplasms. Last evaluated: 2025-06-03. Review status: criteria provided, single submitter. Criteria: Invitae Variant Classification Sherloc (09022015). Collection method: clinical testing. Allele origin: germline.
Comment: This sequence change creates a premature translational stop signal (p.Cys196*) in the MSH6 gene. It is expected to result in an absent or disrupted protein product. Loss-of-function variants in MSH6 are known to be pathogenic (PMID: 18269114, 24362816). This variant is not present in population databases (gnomAD no frequency). This variant has not been reported in the literature in individuals affected with MSH6-related conditions. For these reasons, this variant has been classified as Pathogenic.

Literature cited by the submitters: PubMed 18269114; PubMed 24362816.

NM_000179.3(MSH6):c.588T>A (p.Cys196Ter)

Gene: MSH6 (mutS homolog 6; plus strand). Cytogenetic location: 2p16.3.
Variant type: single nucleotide variant.
Coding change: c.588T>A on transcript NM_000179.3 (MANE Select); coding-DNA position 588, T replaced by A.
Protein change: p.Cys196Ter; replaces cysteine 196 with a stop codon.
Molecular consequence: nonsense. On other transcripts: 5 prime UTR variant (2), non-coding transcript variant (5), intron variant (8).
Genome position (GRCh38, 1-based): chr2:47,796,024, T>A. VCF-style: chr2-47796024-T-A. GRCh37 (hg19) VCF-style: chr2-48023163-T-A.
Other names: c.-315T>A (NM_001281494.2); c.684T>A, p.Cys228Ter (NM_001406795.1, NM_001406802.1); c.588T>A, p.Cys196Ter (NM_001406796.1, NM_001406798.1, NM_001406800.1 and 5 more transcripts); c.291T>A, p.Cys97Ter (NM_001406797.1, NM_001406801.1, NM_001406805.1 and 10 more transcripts); c.63T>A, p.Cys21Ter (NM_001406799.1, NM_001406806.1, NM_001406807.1); c.510T>A, p.Cys170Ter (NM_001406804.1); c.594T>A, p.Cys198Ter (NM_001406813.1); c.-407T>A (NM_001406814.1); and 3 more; short protein forms C170*, C21*, C228*, C97*, C198*, C196*, C140*.
Identifiers: ClinVar variation 4720638 (VCV004720638.1).
Genomic context (GRCh38, chr2:47,796,024, plus strand): 5'-GCAACGTGCAGATGAAGCCTTAAATAAAGACAAGATTAAGAGGCTTGAATTGGCAGTTTG[T>A]GATGAGCCCTCAGAGCCAGAAGAGGAAGAAGAGATGGAGGTGGGACACGGCAAGCATTCA-3'